The following is an entry in ClinVar:

NM_032608.7(MYO18B):c.6996C>T (p.Asp2332=)

Gene: MYO18B (myosin XVIIIB; plus strand). Cytogenetic location: 22q12.1.
Variant type: single nucleotide variant.
Coding change: c.6996C>T on transcript NM_032608.7 (MANE Select); coding-DNA position 6996, C replaced by T.
Protein change: p.Asp2332=; no amino-acid change (aspartic acid 2332 retained).
Molecular consequence: synonymous variant.
Genome position (GRCh38, 1-based): chr22:26,026,970, C>T. VCF-style: chr22-26026970-C-T. GRCh37 (hg19) VCF-style: chr22-26422936-C-T.
Other names: c.6999C>T, p.Asp2333= (NM_001318245.2).
Identifiers: ClinVar variation 788753 (VCV000788753.11), dbSNP rs373119005, ClinGen allele CA10161658.
Genomic context (GRCh38, chr22:26,026,970, plus strand): 5'-AATCGAAGGGGCCGCTGGTGGTCTCTTGAGGTCCACCAGCCTCAAATGCATCTCTTCAGA[C>T]GGTGTTGGGGGCACAACCCTACTCCCCGAAAAGTCGAAAACCCAATTCAGTTCCTGCGAG-3'
Protein context (NP_115997.5, residues 2322-2342): RSTSLKCISS[Asp2332=]GVGGTTLLPE

ClinVar aggregate classification (germline): Likely benign. Review status: criteria provided, single submitter (1 of 4 stars). 2 submissions from 2 submitters: Likely benign (1). 1 of the submissions does not count toward it. Last evaluated 2026-01-07.

Conditions:
MYO18B-related disorder. Also called: MYO18B-related condition.

Allele frequency attached by ClinVar (database versions not stated): gnomAD 0.00009; TOPMed 0.00010; ExAC 0.00013; gnomAD exomes 0.00015; ESP Exome Variant Server 0.00017.
gnomAD v4.1: 186 of 1,613,756 alleles (0.012%); highest among the groups gnomAD compares: Middle Eastern, 0.099%; no homozygotes.

Submissions (2):

Labcorp Genetics (formerly Invitae), Labcorp
Classification: Likely benign. Last evaluated: 2026-01-07. Review status: criteria provided, single submitter. Criteria: Invitae Variant Classification Sherloc (09022015). Collection method: clinical testing. Allele origin: germline.

PreventionGenetics, part of Exact Sciences
Classification: Likely benign for MYO18B-related condition. Last evaluated: 2019-08-06. Review status: no assertion criteria provided. Collection method: clinical testing. Allele origin: germline. Not counted in ClinVar's aggregate classification.
Comment: This variant is classified as likely benign based on ACMG/AMP sequence variant interpretation guidelines (Richards et al. 2015 PMID: 25741868, with internal and published modifications).